The following is an entry in ClinVar:

NM_000256.3(MYBPC3):c.3182_3190+4del

Gene: MYBPC3 (myosin binding protein C3; minus strand). Cytogenetic location: 11p11.2.
Variant type: Deletion.
Coding change: c.3182_3190+4del on transcript NM_000256.3 (MANE Select); coding-DNA position 3182 through 4 bases into the intron after coding-DNA position 3190, 13 bases deleted (AGGTTGTTGGTGC).
Genome position (GRCh38, 1-based): chr11:47,333,553-47,333,565, GCACCAACAACCT deleted on the plus strand (AGGTTGTTGGTGC on the coding strand, the reverse complement: MYBPC3 is on the minus strand); deleting any 13 consecutive bases within chr11:47,333,553-47,333,568 gives the same sequence; the c. name uses the placement nearest the transcript's 3' end. VCF-style (leftmost placement, unchanged base first): chr11-47333552-CGCACCAACAACCT-C. GRCh37 (hg19) VCF-style: chr11-47355103-CGCACCAACAACCT-C.
Other names: c.3182_3190+4del (LRG_386t1).
Identifiers: ClinVar variation 181154 (VCV000181154.8), dbSNP rs730880718, ClinGen allele CA296495.

ClinVar aggregate classification (germline): Pathogenic/Likely pathogenic. Review status: criteria provided, multiple submitters, no conflicts (2 of 4 stars). 2 submissions from 2 submitters: Pathogenic (1); Likely pathogenic (1). Last evaluated 2021-10-17.

Conditions:
Cardiomyopathy (CMYO). Also called: Cardiomyopathies. Identifiers: Orphanet 167848, MedGen C0878544, MONDO:0004994, HP:0001638. Inheritance: Various modes of inheritance.
Hypertrophic cardiomyopathy. Also called: HYPERTROPHIC MYOCARDIOPATHY. Identifiers: Orphanet 217569, MedGen C0007194, MeSH D002312, MONDO:0005045, HP:0001639.

Submissions (2):

Labcorp Genetics (formerly Invitae), Labcorp
Classification: Likely pathogenic for Hypertrophic cardiomyopathy. Last evaluated: 2021-10-17. Review status: criteria provided, single submitter. Criteria: Invitae Variant Classification Sherloc (09022015). Collection method: clinical testing. Allele origin: germline.
Comment: This variant has been observed in individual(s) with hypertrophic cardiomyopathy (PMID: 28771489). This variant is not present in population databases (ExAC no frequency). This variant results in the deletion of part of exon 29 of the MYBPC3 gene. It is expected to disrupt RNA splicing. Variants that disrupt the donor or acceptor splice site typically lead to a loss of protein function (PMID: 16199547), and loss-of-function variants in MYBPC3 are known to be pathogenic (PMID: 19574547). ClinVar contains an entry for this variant (Variation ID: 181154). In summary, the currently available evidence indicates that the variant is pathogenic, but additional data are needed to prove that conclusively. Therefore, this variant has been classified as Likely Pathogenic. Algorithms developed to predict the effect of sequence changes on RNA splicing suggest that this variant may disrupt the consensus splice site.

GeneDx
Classification: Pathogenic for Cardiomyopathy. Last evaluated: 2012-02-07. Review status: criteria provided, single submitter. Criteria: GeneDx Variant Classification (06012015). Collection method: clinical testing. Allele origin: germline. Affected: yes.
Comment: A deletion of 13 nucleotides was identified in exon 29 of the MYBPC3 gene. The normal sequence with the bases that are deleted in braces is: CTGC{AGGTTGTTGgtgc}gtgg, with capital letters indicating exonic sequence and lower case letters indicating intronic sequence. This mutation is denoted c.3182_3190+4del at the cDNA level. The c.3182_3190+4del mutation in the MYBPC3 gene has not been reported previously, however this mutation results in a deletion of 13 nucleotides that eliminates the splice donor site of intron 29. This mutation is predicted to lead to an abnormal protein product. The variant is found in HCM panel(s).

Literature cited by the submitters: PubMed 28771489 (cited by Labcorp Genetics (formerly Invitae), Labcorp); PubMed 16199547 (cited by Labcorp Genetics (formerly Invitae), Labcorp); PubMed 19574547 (cited by Labcorp Genetics (formerly Invitae), Labcorp).